The following is an entry in ClinVar:

ClinVar aggregate classification (germline): Uncertain significance. Review status: criteria provided, multiple submitters, no conflicts (2 of 4 stars). 3 submissions from 3 submitters: Uncertain significance (3). Last evaluated 2023-08-28.

Conditions:
Cranioectodermal dysplasia 1 (CED1). Also called: LEVIN SYNDROME I. Identifiers: Orphanet 1515, MedGen C0432235, MONDO:0021093, OMIM 218330.
Inborn genetic diseases. Identifiers: MedGen C0950123, MeSH D030342.

Allele frequency attached by ClinVar (database versions not stated): TOPMed 0.00002; gnomAD 0.00006; 1000 Genomes Project 30x 0.00016; 1000 Genomes Project 0.00020.
gnomAD v4.1: 87 of 1,614,180 alleles (0.0054%); highest among the groups gnomAD compares: Non-Finnish European, 0.007%; no homozygotes.

Submissions (3):

Ambry Genetics
Classification: Uncertain significance for Inborn genetic diseases. Last evaluated: 2023-08-28. Review status: criteria provided, single submitter. Criteria: Ambry Variant Classification Scheme 2023. Collection method: clinical testing. Allele origin: germline.

Labcorp Genetics (formerly Invitae), Labcorp
Classification: Uncertain significance for Cranioectodermal dysplasia 1. Last evaluated: 2022-04-06. Review status: criteria provided, single submitter. Criteria: Invitae Variant Classification Sherloc (09022015). Collection method: clinical testing. Allele origin: germline.
Comment: This sequence change replaces arginine, which is basic and polar, with histidine, which is basic and polar, at codon 1094 of the IFT122 protein (p.Arg1094His). This variant is present in population databases (rs576743578, gnomAD 0.005%). This variant has not been reported in the literature in individuals affected with IFT122-related conditions. ClinVar contains an entry for this variant (Variation ID: 343260). Algorithms developed to predict the effect of missense changes on protein structure and function are either unavailable or do not agree on the potential impact of this missense change (SIFT: "Deleterious"; PolyPhen-2: "Benign"; Align-GVGD: "Class C0"). In summary, the available evidence is currently insufficient to determine the role of this variant in disease. Therefore, it has been classified as a Variant of Uncertain Significance.

Illumina Laboratory Services, Illumina
Classification: Uncertain significance for Cranioectodermal dysplasia 1. Last evaluated: 2018-01-13. Review status: criteria provided, single submitter. Criteria: ICSL Variant Classification Criteria 13 December 2019. Collection method: clinical testing. Allele origin: germline.

NM_052989.3(IFT122):c.3128G>A (p.Arg1043His)

Gene: IFT122 (intraflagellar transport 122; plus strand). Cytogenetic location: 3q22.1.
Variant type: single nucleotide variant.
Coding change: c.3128G>A on transcript NM_052989.3 (MANE Select); coding-DNA position 3128, G replaced by A.
Protein change: p.Arg1043His; replaces arginine 1043 with histidine.
Molecular consequence: missense variant.
Genome position (GRCh38, 1-based): chr3:129,514,529, G>A. VCF-style: chr3-129514529-G-A. GRCh37 (hg19) VCF-style: chr3-129233372-G-A.
Other names: c.3107G>A, p.Arg1036His (NM_001280541.2); c.2678G>A, p.Arg893His (NM_001280545.2); c.2501G>A, p.Arg834His (NM_001280546.2); c.2951G>A, p.Arg984His (NM_018262.4); c.3281G>A, p.Arg1094His (NM_052985.4); c.2798G>A, p.Arg933His (NM_052990.3); c.3281G>A (NM_052985.2); short protein forms R1094H, R893H, R1043H, R933H, R1036H, R834H, R984H.
Identifiers: ClinVar variation 343260 (VCV000343260.8), dbSNP rs576743578, ClinGen allele CA2606787.